The following is an entry in ClinVar:

NM_003239.5(TGFB3):c.389A>G (p.Lys130Arg)

Gene: TGFB3 (transforming growth factor beta 3; minus strand). Cytogenetic location: 14q24.3.
Variant type: single nucleotide variant.
Coding change: c.389A>G on transcript NM_003239.5 (MANE Select); coding-DNA position 389, A replaced by G.
Protein change: p.Lys130Arg; replaces lysine 130 with arginine.
Molecular consequence: missense variant.
Genome position (GRCh38, 1-based): chr14:75,971,682, T>C on the plus strand (A>G on the coding strand, the complement: TGFB3 is on the minus strand). VCF-style: chr14-75971682-T-C. GRCh37 (hg19) VCF-style: chr14-76438025-T-C.
Other names: c.389A>G, p.Lys130Arg (NM_001329938.2, NM_001329939.2); short protein forms K130R.
Identifiers: ClinVar variation 477637 (VCV000477637.12), dbSNP rs780051351, ClinGen allele CA7280456.

ClinVar aggregate classification (germline): Uncertain significance. Review status: criteria provided, multiple submitters, no conflicts (2 of 4 stars). 4 submissions from 4 submitters: Uncertain significance (4). Last evaluated 2026-04-29.

Conditions:
Rienhoff syndrome. Also called: LOEYS-DIETZ SYNDROME 5. Identifiers: MedGen C3810012, MONDO:0014262, OMIM 615582.
Familial thoracic aortic aneurysm and aortic dissection (TAAD). Also called: Thoracic aortic aneurysms and dissections. Identifiers: Orphanet 91387, MedGen C4707243, MONDO:0019625.

Allele frequency attached by ClinVar (database versions not stated): ExAC 0.00002; gnomAD exomes 0.00001 and 0.00002; TOPMed 0.00001.
gnomAD v4.1: 25 of 1,614,274 alleles (0.0015%); highest among the groups gnomAD compares: South Asian, 0.0022%; no homozygotes.

Submissions (4):

Women's Health and Genetics/Laboratory Corporation of America, LabCorp
Classification: Uncertain significance. Last evaluated: 2026-04-29. Review status: criteria provided, single submitter. Criteria: LabCorp Variant Classification Summary - May 2015. Collection method: clinical testing. Allele origin: germline.
Comment: Variant summary: TGFB3 c.389A>G (p.Lys130Arg) results in a conservative amino acid change in the encoded protein sequence. Algorithms developed to predict the effect of missense changes on protein structure and function are either unavailable or do not agree on the potential impact of this missense change. The variant allele was found at a frequency of 1.2e-05 in 251444 control chromosomes. The available data on variant occurrences in the general population are insufficient to allow any conclusion about variant significance. c.389A>G has been observed in individual(s) affected with nonsyndromic clefting and suspected of heritable thoracic aortic disorders (Lidral_1998, Overwater_2018). These report(s) do not provide unequivocal conclusions about association of the variant with Loeys-Dietz Syndrome. To our knowledge, no experimental evidence demonstrating an impact on protein function has been reported. The following publications have been ascertained in the context of this evaluation (PMID: 9683588, 29907982). ClinVar contains an entry for this variant (Variation ID: 477637). Based on the evidence outlined above, the variant was classified as uncertain significance.

Labcorp Genetics (formerly Invitae), Labcorp
Classification: Uncertain significance for Rienhoff syndrome. Last evaluated: 2025-10-23. Review status: criteria provided, single submitter. Criteria: Invitae Variant Classification Sherloc (09022015). Collection method: clinical testing. Allele origin: germline.
Comment: This sequence change replaces lysine, which is basic and polar, with arginine, which is basic and polar, at codon 130 of the TGFB3 protein (p.Lys130Arg). This variant is present in population databases (rs780051351, gnomAD 0.006%). This missense change has been observed in individual(s) with clinical features of TGFB3-related conditions (PMID: 9683588, 29907982). This variant is also known as 383A>G, Lys128Arg. ClinVar contains an entry for this variant (Variation ID: 477637). Invitae Evidence Modeling of protein sequence and biophysical properties (such as structural, functional, and spatial information, amino acid conservation, physicochemical variation, residue mobility, and thermodynamic stability) indicates that this missense variant is not expected to disrupt TGFB3 protein function with a negative predictive value of 80%. In summary, the available evidence is currently insufficient to determine the role of this variant in disease. Therefore, it has been classified as a Variant of Uncertain Significance.

GeneDx
Classification: Uncertain significance. Last evaluated: 2023-05-03. Review status: criteria provided, single submitter. Criteria: GeneDx Variant Classification Process June 2021. Collection method: clinical testing. Allele origin: germline.
Comment: Also reported in an individual with submucous cleft palate whose mother and maternal relatives presented with scarring of the lip (Lidral et al., 1998); Not observed at significant frequency in large population cohorts (gnomAD); In silico analysis supports that this missense variant does not alter protein structure/function; This variant is associated with the following publications: (PMID: 16327884, 22978696, 9683588, 29907982)

Ambry Genetics
Classification: Uncertain significance for Familial thoracic aortic aneurysm and aortic dissection. Last evaluated: 2021-08-19. Review status: criteria provided, single submitter. Criteria: Ambry Variant Classification Scheme 2023. Collection method: clinical testing. Allele origin: germline.
Comment: The p.K130R variant (also known as c.389A>G), located in coding exon 2 of the TGFB3 gene, results from an A to G substitution at nucleotide position 389. The lysine at codon 130 is replaced by arginine, an amino acid with highly similar properties. This alteration has been reported in cleft lip and palate and thoracic aortic aneurysm and dissection cohorts (Lidral AC et al. Am J Hum Genet, 1998 Aug;63:557-68; Overwater E et al. Hum Mutat, 2018 09;39:1173-1192). This amino acid position is well conserved in available vertebrate species; however, arginine is the reference amino acid in other vertebrate species. In addition, this alteration is predicted to be tolerated by in silico analysis. Since supporting evidence is limited at this time, the clinical significance of this alteration remains unclear.

Literature cited by the submitters: PubMed 29907982 (cited by 3 submitters); PubMed 9683588 (cited by 3 submitters).